The following is an entry in ClinVar:

NM_032737.4(LMNB2):c.1313G>A (p.Arg438Gln)

Gene: LMNB2 (lamin B2; minus strand). Cytogenetic location: 19p13.3.
Variant type: single nucleotide variant.
Coding change: c.1313G>A on transcript NM_032737.4 (MANE Select); coding-DNA position 1313, G replaced by A.
Protein change: p.Arg438Gln; replaces arginine 438 with glutamine.
Molecular consequence: missense variant.
Genome position (GRCh38, 1-based): chr19:2,433,995, C>T on the plus strand (G>A on the coding strand, the complement: LMNB2 is on the minus strand). VCF-style: chr19-2433995-C-T. GRCh37 (hg19) VCF-style: chr19-2433993-C-T.
Other names: short protein forms R438Q.
Identifiers: ClinVar variation 1376201 (VCV001376201.8), dbSNP rs758913468, ClinGen allele CA9067534.

ClinVar aggregate classification (germline): Uncertain significance (1 of 4 stars; one submission).

Conditions:
Progressive myoclonic epilepsy type 9. Identifiers: Orphanet 457265, MedGen C4225289, MONDO:0014685, OMIM 616540.
Lipodystrophy, partial, acquired, susceptibility to (APLD). Also called: APLD, SUSCEPTIBILITY TO. Identifiers: MedGen C3887501, MONDO:0100476, OMIM 608709.

Allele frequency attached by ClinVar (database versions not stated): ExAC 0.00001.
gnomAD v4.1: 14 of 1,609,892 alleles (0.00087%); highest among the groups gnomAD compares: East Asian, 0.0045%; no homozygotes.

Submission:

Labcorp Genetics (formerly Invitae), Labcorp
Classification: Uncertain significance for Progressive myoclonic epilepsy type 9; Lipodystrophy, partial, acquired, susceptibility to. Last evaluated: 2026-02-02. Review status: criteria provided, single submitter. Criteria: Invitae Variant Classification Sherloc (09022015). Collection method: clinical testing. Allele origin: germline.
Comment: This sequence change replaces arginine, which is basic and polar, with glutamine, which is neutral and polar, at codon 438 of the LMNB2 protein (p.Arg438Gln). This variant is present in population databases (rs758913468, gnomAD 0.001%). This variant has not been reported in the literature in individuals affected with LMNB2-related conditions. ClinVar contains an entry for this variant (Variation ID: 1376201). Invitae Evidence Modeling of protein sequence and biophysical properties (such as structural, functional, and spatial information, amino acid conservation, physicochemical variation, residue mobility, and thermodynamic stability) indicates that this missense variant is not expected to disrupt LMNB2 protein function with a negative predictive value of 80%. In summary, the available evidence is currently insufficient to determine the role of this variant in disease. Therefore, it has been classified as a Variant of Uncertain Significance.